The following is an entry in ClinVar:

NM_001136271.3(NKX2-6):c.698C>A (p.Pro233His)

Gene: NKX2-6 (NK2 homeobox 6; minus strand). Cytogenetic location: 8p21.2.
Variant type: single nucleotide variant.
Coding change: c.698C>A on transcript NM_001136271.3 (MANE Select); coding-DNA position 698, C replaced by A.
Protein change: p.Pro233His; replaces proline 233 with histidine.
Molecular consequence: missense variant.
Genome position (GRCh38, 1-based): chr8:23,702,659, G>T on the plus strand (C>A on the coding strand, the complement: NKX2-6 is on the minus strand). VCF-style: chr8-23702659-G-T. GRCh37 (hg19) VCF-style: chr8-23560172-G-T.
Other names: short protein forms P233H.
Identifiers: ClinVar variation 1989335 (VCV001989335.4), dbSNP rs936421503, ClinGen allele CA174010895.
Genomic context (GRCh38, chr8:23,702,659, plus strand): 5'-CCGTAGGGTGCTCCGCTGTAGCCTCCGTAGCAAGAGTAGGGCGACACTGCTGCACTGTAG[G>T]GGCTGGGGAAGGCAGGTGCGCCGGGCCCGGGGCCCAGGCAGGGCTTGCCATCGCGCACCA-3'
Protein context (NP_001129743.2, residues 223-243): PGPGAPAFPS[Pro233His]YSAAVSPYSC

ClinVar aggregate classification (germline): Uncertain significance (1 of 4 stars; one submission).

Conditions:
Conotruncal heart malformations (CTHM). Also called: Conotruncal heart malformations, variable. Identifiers: Orphanet 2445, Orphanet 3384, Orphanet 3426, MedGen C1857586, MONDO:0016581, OMIM 217095.

Allele frequency attached by ClinVar (database versions not stated): TOPMed below 0.00001; gnomAD 0.00001.
gnomAD v4.1: 2 of 1,550,542 alleles (0.00013%); highest among the groups gnomAD compares: Non-Finnish European, 0.00017%; no homozygotes.

Submission:

Labcorp Genetics (formerly Invitae), Labcorp
Classification: Uncertain significance for Conotruncal heart malformations. Last evaluated: 2021-12-19. Review status: criteria provided, single submitter. Criteria: Invitae Variant Classification Sherloc (09022015). Collection method: clinical testing. Allele origin: germline.
Comment: In summary, the available evidence is currently insufficient to determine the role of this variant in disease. Therefore, it has been classified as a Variant of Uncertain Significance. Algorithms developed to predict the effect of missense changes on protein structure and function (SIFT, PolyPhen-2, Align-GVGD) all suggest that this variant is likely to be disruptive. This variant has not been reported in the literature in individuals affected with NKX2-6-related conditions. This variant is not present in population databases (gnomAD no frequency). This sequence change replaces proline, which is neutral and non-polar, with histidine, which is basic and polar, at codon 233 of the NKX2-6 protein (p.Pro233His).